The following is an entry in ClinVar:

ClinVar aggregate classification (germline): Uncertain significance (1 of 4 stars; one submission).

Conditions:
Intellectual developmental disorder, autosomal dominant 1. Also called: Intellectual disability, autosomal dominant 1; MBD5 Haploinsufficiency. Identifiers: Orphanet 228402, MedGen C1969562, MONDO:0007974, OMIM 156200.

Submission:

Labcorp Genetics (formerly Invitae), Labcorp
Classification: Uncertain significance for Intellectual developmental disorder, autosomal dominant 1. Last evaluated: 2024-10-24. Review status: criteria provided, single submitter. Criteria: Invitae Variant Classification Sherloc (09022015). Collection method: clinical testing. Allele origin: germline.
Comment: This sequence change replaces glycine, which is neutral and non-polar, with aspartic acid, which is acidic and polar, at codon 1151 of the MBD5 protein (p.Gly1151Asp). This variant is not present in population databases (gnomAD no frequency). This variant has not been reported in the literature in individuals affected with MBD5-related conditions. ClinVar contains an entry for this variant (Variation ID: 1897772). Experimental studies and prediction algorithms are not available or were not evaluated, and the functional significance of this variant is currently unknown. In summary, the available evidence is currently insufficient to determine the role of this variant in disease. Therefore, it has been classified as a Variant of Uncertain Significance.

NM_001378120.1(MBD5):c.4151G>A (p.Gly1384Asp)

Gene: MBD5 (methyl-CpG binding domain protein 5; plus strand). Cytogenetic location: 2q23.1.
Variant type: single nucleotide variant.
Coding change: c.4151G>A on transcript NM_001378120.1 (MANE Select); coding-DNA position 4151, G replaced by A.
Protein change: p.Gly1384Asp; replaces glycine 1384 with aspartic acid.
Molecular consequence: missense variant.
Genome position (GRCh38, 1-based): chr2:148,489,783, G>A. VCF-style: chr2-148489783-G-A. GRCh37 (hg19) VCF-style: chr2-149247352-G-A.
Other names: c.3452G>A, p.Gly1151Asp (NM_018328.5); short protein forms G1151D, G1384D.
Identifiers: ClinVar variation 1897772 (VCV001897772.5), dbSNP rs2470023299, ClinGen allele CA348728124.